The following is an entry in ClinVar:

NM_002907.4(RECQL):c.1539G>A (p.Leu513=)

Gene: RECQL (RecQ like helicase; minus strand). Cytogenetic location: 12p12.1.
Variant type: single nucleotide variant.
Coding change: c.1539G>A on transcript NM_002907.4 (MANE Select); coding-DNA position 1539, G replaced by A.
Protein change: p.Leu513=; no amino-acid change (leucine 513 retained).
Molecular consequence: synonymous variant.
Genome position (GRCh38, 1-based): chr12:21,471,556, C>T on the plus strand (G>A on the coding strand, the complement: RECQL is on the minus strand). VCF-style: chr12-21471556-C-T. GRCh37 (hg19) VCF-style: chr12-21624490-C-T.
Other names: c.1539G>A, p.Leu513= (NM_032941.3).
Identifiers: ClinVar variation 682353 (VCV000682353.3), dbSNP rs1591967911, ClinGen allele CA478869746.
Genomic context (GRCh38, chr12:21,471,556, plus strand): 5'-CACAACACCTGCTACTCTCAGTTTTGCTGCACCCTTTCCCATCCAAGAATCAATCAGTTT[C>T]AATGGAGTGAGTTTTTCATTCAGTTCCTCTGCCTGCTTCAGGATCTTGATTAGATCTCTG-3'
Protein context (NP_002898.2, residues 503-523): AEELNEKLTP[Leu513=]KLIDSWMGKG

ClinVar aggregate classification (germline): Likely benign. Review status: criteria provided, multiple submitters, no conflicts (2 of 4 stars). 2 submissions from 2 submitters: Likely benign (2). Last evaluated 2019-08-06.

Submissions (2):

Ambry Genetics
Classification: Likely benign. Last evaluated: 2019-08-06. Review status: criteria provided, single submitter. Criteria: Ambry Variant Classification Scheme 2023. Collection method: clinical testing. Allele origin: germline.

GeneDx
Classification: Likely benign. Last evaluated: 2018-04-19. Review status: criteria provided, single submitter. Criteria: GeneDx Variant Classification (06012015). Collection method: clinical testing. Allele origin: germline. Affected: yes.
Comment: This variant is considered likely benign or benign based on one or more of the following criteria: it is a conservative change, it occurs at a poorly conserved position in the protein, it is predicted to be benign by multiple in silico algorithms, and/or has population frequency not consistent with disease.